The following is an entry in ClinVar:

ClinVar aggregate classification (germline): Uncertain significance (1 of 4 stars; one submission).

Submission:

Labcorp Genetics (formerly Invitae), Labcorp
Classification: Uncertain significance. Last evaluated: 2025-04-21. Review status: criteria provided, single submitter. Criteria: Invitae Variant Classification Sherloc (09022015). Collection method: clinical testing. Allele origin: germline.
Comment: This sequence change replaces phenylalanine, which is neutral and non-polar, with serine, which is neutral and polar, at codon 2105 of the KMT2A protein (p.Phe2105Ser). This variant is not present in population databases (gnomAD no frequency). This variant has not been reported in the literature in individuals affected with KMT2A-related conditions. ClinVar contains an entry for this variant (Variation ID: 3612290). Invitae Evidence Modeling of protein sequence and biophysical properties (such as structural, functional, and spatial information, amino acid conservation, physicochemical variation, residue mobility, and thermodynamic stability) indicates that this missense variant is not expected to disrupt KMT2A protein function with a negative predictive value of 95%. In summary, the available evidence is currently insufficient to determine the role of this variant in disease. Therefore, it has been classified as a Variant of Uncertain Significance.

NM_001197104.2(KMT2A):c.6314T>C (p.Phe2105Ser)

Gene: KMT2A (lysine methyltransferase 2A; plus strand). Cytogenetic location: 11q23.3.
Variant type: single nucleotide variant.
Coding change: c.6314T>C on transcript NM_001197104.2 (MANE Select); coding-DNA position 6314, T replaced by C.
Protein change: p.Phe2105Ser; replaces phenylalanine 2105 with serine.
Molecular consequence: missense variant.
Genome position (GRCh38, 1-based): chr11:118,501,142, T>C. VCF-style: chr11-118501142-T-C. GRCh37 (hg19) VCF-style: chr11-118371857-T-C.
Other names: c.6404T>C, p.Phe2135Ser (NM_001412597.1); c.6305T>C, p.Phe2102Ser (NM_005933.4); short protein forms F2102S, F2105S, F2135S.
Identifiers: ClinVar variation 3612290 (VCV003612290.2).